The following is an entry in ClinVar:

ClinVar aggregate classification (germline): Uncertain significance (1 of 4 stars; one submission).

Conditions:
Autosomal recessive limb-girdle muscular dystrophy type 2J (LGMDR10). Also called: MUSCULAR DYSTROPHY, LIMB-GIRDLE, AUTOSOMAL RECESSIVE 10; Limb-girdle muscular dystrophy, type 2J. Identifiers: Orphanet 140922, MedGen C1837342, MONDO:0012127, OMIM 608807.
Dilated cardiomyopathy 1G (CMD1G). Identifiers: Orphanet 154, MedGen C1858763, MONDO:0011400, OMIM 604145.

gnomAD v4.1: 2 of 1,612,976 alleles (0.00012%); highest among the groups gnomAD compares: Non-Finnish European, 0.000085%; no homozygotes.

Submission:

Labcorp Genetics (formerly Invitae), Labcorp
Classification: Uncertain significance for Dilated cardiomyopathy 1G; Autosomal recessive limb-girdle muscular dystrophy type 2J. Last evaluated: 2025-11-18. Review status: criteria provided, single submitter. Criteria: Invitae Variant Classification Sherloc (09022015). Collection method: clinical testing. Allele origin: germline.
Comment: This sequence change replaces isoleucine, which is neutral and non-polar, with valine, which is neutral and non-polar, at codon 35892 of the TTN protein (p.Ile35892Val). This variant is not present in population databases (gnomAD no frequency). This variant has not been reported in the literature in individuals affected with TTN-related conditions. An algorithm developed to predict the effect of missense changes on protein structure and function outputs the following: PolyPhen-2: "Not Available". The valine amino acid residue is found in multiple mammalian species, which suggests that this missense change does not adversely affect protein function. This variant is located in the M band of TTN (PMID: 25589632). Non-truncating variants in this region may be relevant for neuromuscular disorders, but have not been definitively shown to cause cardiomyopathy (PMID: 23975875). In summary, the available evidence is currently insufficient to determine the role of this variant in disease. Therefore, it has been classified as a Variant of Uncertain Significance.

Literature cited by the submitters: PubMed 25589632; PubMed 23975875.

NM_001267550.2(TTN):c.107674A>G (p.Ile35892Val)

Genes: TTN (titin; minus strand), TTN-AS1 (TTN antisense RNA 1; plus strand). Cytogenetic location: 2q31.2.
Variant type: single nucleotide variant.
Coding change: c.107674A>G on transcript NM_001267550.2 (MANE Select); coding-DNA position 107674, A replaced by G.
Protein change: p.Ile35892Val; replaces isoleucine 35892 with valine.
Molecular consequence: missense variant.
Genome position (GRCh38, 1-based): chr2:178,527,452, T>C on the plus strand (A>G on the coding strand, the complement: TTN is on the minus strand). VCF-style: chr2-178527452-T-C. GRCh37 (hg19) VCF-style: chr2-179392179-T-C.
Other names: c.102751A>G, p.Ile34251Val (NM_001256850.1); c.80479A>G, p.Ile26827Val (NM_003319.4); c.99970A>G, p.Ile33324Val (NM_133378.4); c.80854A>G, p.Ile26952Val (NM_133432.3); c.81055A>G, p.Ile27019Val (NM_133437.4); short protein forms I33324V, I34251V, I35892V, I26827V, I26952V, I27019V.
Identifiers: ClinVar variation 4793720 (VCV004793720.1).